The following is an entry in ClinVar:

ClinVar aggregate classification (germline): Uncertain significance (1 of 4 stars; one submission).

Submission:

Labcorp Genetics (formerly Invitae), Labcorp
Classification: Uncertain significance. Last evaluated: 2025-08-19. Review status: criteria provided, single submitter. Criteria: Invitae Variant Classification Sherloc (09022015). Collection method: clinical testing. Allele origin: germline.
Comment: This sequence change replaces alanine, which is neutral and non-polar, with serine, which is neutral and polar, at codon 5 of the SIRT1 protein (p.Ala5Ser). This variant is not present in population databases (gnomAD no frequency). This variant has not been reported in the literature in individuals affected with SIRT1-related conditions. An algorithm developed to predict the effect of missense changes on protein structure and function (PolyPhen-2) suggests that this variant is likely to be tolerated. In summary, the available evidence is currently insufficient to determine the role of this variant in disease. Therefore, it has been classified as a Variant of Uncertain Significance.

NM_012238.5(SIRT1):c.13G>T (p.Ala5Ser)

Genes: SIRT1 (sirtuin 1; plus strand), LOC107832851 (SIRT1 promoter region; plus strand). Cytogenetic location: 10q21.3.
Variant type: single nucleotide variant.
Coding change: c.13G>T on transcript NM_012238.5 (MANE Select); coding-DNA position 13, G replaced by T.
Protein change: p.Ala5Ser; replaces alanine 5 with serine.
Molecular consequence: missense variant.
Genome position (GRCh38, 1-based): chr10:67,884,734, G>T. VCF-style: chr10-67884734-G-T. GRCh37 (hg19) VCF-style: chr10-69644492-G-T.
Other names: short protein forms A5S.
Identifiers: ClinVar variation 4725694 (VCV004725694.1).